The following is an entry in ClinVar:

ClinVar aggregate classification (germline): Uncertain significance (1 of 4 stars; one submission).

Submission:

Labcorp Genetics (formerly Invitae), Labcorp
Classification: Uncertain significance. Last evaluated: 2024-10-24. Review status: criteria provided, single submitter. Criteria: Invitae Variant Classification Sherloc (09022015). Collection method: clinical testing. Allele origin: germline.
Comment: This sequence change replaces isoleucine, which is neutral and non-polar, with valine, which is neutral and non-polar, at codon 701 of the POLR1A protein (p.Ile701Val). This variant is not present in population databases (gnomAD no frequency). This variant has not been reported in the literature in individuals affected with POLR1A-related conditions. ClinVar contains an entry for this variant (Variation ID: 2130406). Invitae Evidence Modeling of protein sequence and biophysical properties (such as structural, functional, and spatial information, amino acid conservation, physicochemical variation, residue mobility, and thermodynamic stability) indicates that this missense variant is not expected to disrupt POLR1A protein function with a negative predictive value of 80%. In summary, the available evidence is currently insufficient to determine the role of this variant in disease. Therefore, it has been classified as a Variant of Uncertain Significance.

NM_015425.6(POLR1A):c.2101A>G (p.Ile701Val)

Gene: POLR1A (RNA polymerase I subunit A; minus strand). Cytogenetic location: 2p11.2.
Variant type: single nucleotide variant.
Coding change: c.2101A>G on transcript NM_015425.6 (MANE Select); coding-DNA position 2101, A replaced by G.
Protein change: p.Ile701Val; replaces isoleucine 701 with valine.
Molecular consequence: missense variant.
Genome position (GRCh38, 1-based): chr2:86,054,247, T>C on the plus strand (A>G on the coding strand, the complement: POLR1A is on the minus strand). VCF-style: chr2-86054247-T-C. GRCh37 (hg19) VCF-style: chr2-86281370-T-C.
Other names: short protein forms I701V.
Identifiers: ClinVar variation 2130406 (VCV002130406.4), dbSNP rs2466375541, ClinGen allele CA347543695.